The following is an entry in ClinVar:

ClinVar aggregate classification (germline): Pathogenic (1 of 4 stars; one submission).

Conditions:
Hereditary cancer-predisposing syndrome. Also called: Neoplastic Syndromes, Hereditary; Tumor predisposition; Hereditary Cancer Syndrome; Hereditary neoplastic syndrome. Identifiers: Orphanet 140162, MedGen C0027672, MeSH D009386, MONDO:0015356.

Submission:

Ambry Genetics
Classification: Pathogenic for Hereditary cancer-predisposing syndrome. Last evaluated: 2021-03-02. Review status: criteria provided, single submitter. Criteria: Ambry Variant Classification Scheme 2023. Collection method: clinical testing. Allele origin: germline.
Comment: The c.3038delC pathogenic mutation, located in coding exon 18 of the DICER1 gene, results from a deletion of one nucleotide at nucleotide position 3038, causing a translational frameshift with a predicted alternate stop codon (p.P1013Lfs*2). This alteration is expected to result in loss of function by premature protein truncation or nonsense-mediated mRNA decay. As such, this alteration is interpreted as a disease-causing mutation.

NM_177438.3(DICER1):c.3038del (p.Pro1013fs)

Gene: DICER1 (dicer 1, ribonuclease III; minus strand). Cytogenetic location: 14q32.13.
Variant type: Deletion.
Coding change: c.3038del on transcript NM_177438.3 (MANE Select); coding-DNA position 3038, one base deleted (C; older notation c.3038delC).
Protein change: p.Pro1013fs; shifts the reading frame from proline 1013.
Molecular consequence: frameshift variant. On other transcripts: non-coding transcript variant (6).
Genome position (GRCh38, 1-based): chr14:95,105,733, G deleted on the plus strand (C on the coding strand, the reverse complement: DICER1 is on the minus strand); the first of 2 consecutive G bases (chr14:95,105,733-95,105,734); deleting either gives the same sequence. VCF-style (leftmost placement, unchanged base first): chr14-95105732-AG-A. GRCh37 (hg19) VCF-style: chr14-95572069-AG-A.
Other names: c.3038del, p.Pro1013fs (NM_001195573.1, NM_001271282.3, NM_001291628.2 and 12 more transcripts); c.3037delC, p.Pro1013Leufs (NM_001395681.1); c.2756del, p.Pro919fs (NM_001395686.1); c.2633del, p.Pro878fs (NM_001395687.1, NM_001395688.1, NM_001395689.1 and 2 more transcripts); c.2471del, p.Pro824fs (NM_001395691.1); c.1355del, p.Pro452fs (NM_001395697.1); c.3038delC (NM_177438.2); short protein forms P919fs, P452fs, P878fs, P1013fs, P824fs.
Identifiers: ClinVar variation 1799105 (VCV001799105.2), dbSNP rs2542774587, ClinGen allele CA2580089037.